The following is an entry in ClinVar:

ClinVar aggregate classification (germline): Likely benign (0 of 4 stars; one submission).

Conditions:
SLC51B-related disorder. Also called: SLC51B-related condition.

Submission:

PreventionGenetics, part of Exact Sciences
Classification: Likely benign for SLC51B-related condition. Last evaluated: 2022-12-20. Review status: no assertion criteria provided. Collection method: clinical testing. Allele origin: germline.
Comment: This variant is classified as likely benign based on ACMG/AMP sequence variant interpretation guidelines (Richards et al. 2015 PMID: 25741868, with internal and published modifications).

NM_178859.4(SLC51B):c.-6del

Genes: RASL12 (RAS like family 12; minus strand), SLC51B (SLC51 subunit beta; plus strand). Cytogenetic location: 15q22.31.
Variant type: Deletion.
Coding change: c.-6del on transcript NM_178859.4 (MANE Select); 6 bases upstream of the start codon, one base deleted (A; older notation c.-6delA).
Molecular consequence: 5 prime UTR variant.
Genome position (GRCh38, 1-based): chr15:65,049,999, A deleted. VCF-style (leftmost placement, unchanged base first): chr15-65049998-CA-C. GRCh37 (hg19) VCF-style: chr15-65342336-CA-C.
Identifiers: ClinVar variation 3052251 (VCV003052251.2), dbSNP rs2506182762, ClinGen allele CA2740096723.